The following is an entry in ClinVar:

NM_000170.3(GLDC):c.2179G>C (p.Asp727His)

Gene: GLDC (glycine decarboxylase; minus strand). Cytogenetic location: 9p24.1.
Variant type: single nucleotide variant.
Coding change: c.2179G>C on transcript NM_000170.3 (MANE Select); coding-DNA position 2179, G replaced by C.
Protein change: p.Asp727His; replaces aspartic acid 727 with histidine.
Molecular consequence: missense variant.
Genome position (GRCh38, 1-based): chr9:6,556,176, C>G on the plus strand (G>C on the coding strand, the complement: GLDC is on the minus strand). VCF-style: chr9-6556176-C-G. GRCh37 (hg19) VCF-style: chr9-6556176-C-G.
Other names: short protein forms D727H.
Identifiers: ClinVar variation 1490970 (VCV001490970.7), dbSNP rs2129725947, ClinGen allele CA372881207.

ClinVar aggregate classification (germline): Uncertain significance (1 of 4 stars; one submission).

Conditions:
Glycine encephalopathy. Also called: Non-ketotic hyperglycinemia; Nonketotic hyperglycinemia. Identifiers: Orphanet 407, MedGen C0751748, MONDO:0011612, HP:0008288.

Submission:

Labcorp Genetics (formerly Invitae), Labcorp
Classification: Uncertain significance for Glycine encephalopathy. Last evaluated: 2022-10-05. Review status: criteria provided, single submitter. Criteria: Invitae Variant Classification Sherloc (09022015). Collection method: clinical testing. Allele origin: germline.
Comment: Advanced modeling of protein sequence and biophysical properties (such as structural, functional, and spatial information, amino acid conservation, physicochemical variation, residue mobility, and thermodynamic stability) performed at Invitae indicates that this missense variant is expected to disrupt GLDC protein function. In summary, the available evidence is currently insufficient to determine the role of this variant in disease. Therefore, it has been classified as a Variant of Uncertain Significance. ClinVar contains an entry for this variant (Variation ID: 1490970). This variant has not been reported in the literature in individuals affected with GLDC-related conditions. This variant is not present in population databases (gnomAD no frequency). This sequence change replaces aspartic acid, which is acidic and polar, with histidine, which is basic and polar, at codon 727 of the GLDC protein (p.Asp727His).